The following is an entry in ClinVar:

NM_000421.5(KRT10):c.73_90dup (p.Gly30_Val31insCysGlyGlyGlyGlyGly)

Genes: KRT10 (keratin 10; minus strand), KRT10-AS1 (KRT10 antisense RNA 1; plus strand). Cytogenetic location: 17q21.2.
Variant type: Duplication.
Coding change: c.73_90dup on transcript NM_000421.5 (MANE Select); coding-DNA positions 73 to 90, 18 bases duplicated (TGTGGAGGAGGAGGAGGA).
Protein change: p.Gly30_Val31insCysGlyGlyGlyGlyGly.
Molecular consequence: inframe insertion.
Genome position (GRCh38, 1-based): chr17:40,822,496-40,822,513, TCCTCCTCCTCCTCCACA duplicated on the plus strand (TGTGGAGGAGGAGGAGGA on the coding strand, the reverse complement: KRT10 is on the minus strand); duplicating any 18 consecutive bases within chr17:40,822,496-40,822,528 gives the same sequence; the c. name uses the placement nearest the transcript's 3' end. VCF-style (leftmost placement, unchanged base first): chr17-40822495-C-CTCCTCCTCCTCCTCCACA. GRCh37 (hg19) VCF-style: chr17-38978747-C-CTCCTCCTCCTCCTCCACA.
Other names: c.73_90dup, p.Gly30_Val31insCysGlyGlyGlyGlyGly (NM_001379366.1).
Identifiers: ClinVar variation 4745125 (VCV004745125.1).

ClinVar aggregate classification (germline): Uncertain significance (1 of 4 stars; one submission).

Submission:

Labcorp Genetics (formerly Invitae), Labcorp
Classification: Uncertain significance. Last evaluated: 2025-12-15. Review status: criteria provided, single submitter. Criteria: Invitae Variant Classification Sherloc (09022015). Collection method: clinical testing. Allele origin: germline.
Comment: This variant, c.73_90dup, results in the insertion of 6 amino acid(s) of the KRT10 protein (p.Cys25_Gly30dup), but otherwise preserves the integrity of the reading frame. The frequency data for this variant in the population databases is considered unreliable, as metrics indicate poor data quality at this position in the gnomAD database. This variant has not been reported in the literature in individuals affected with KRT10-related conditions. In summary, the available evidence is currently insufficient to determine the role of this variant in disease. Therefore, it has been classified as a Variant of Uncertain Significance.